The following is an entry in ClinVar:

ClinVar aggregate classification (germline): Uncertain significance. Review status: criteria provided, multiple submitters, no conflicts (2 of 4 stars). 2 submissions from 2 submitters: Uncertain significance (2). Last evaluated 2026-06-09.

Conditions:
Cardiovascular phenotype. Identifiers: MedGen CN230736.

Allele frequency attached by ClinVar (database versions not stated): gnomAD exomes 0.00001; gnomAD 0.00001; TOPMed 0.00002.
gnomAD v4.1: 16 of 1,549,152 alleles (0.001%); highest among the groups gnomAD compares: Admixed American, 0.002%; no homozygotes.

Submissions (2):

Ambry Genetics
Classification: Uncertain significance for Cardiovascular phenotype. Last evaluated: 2026-06-09. Review status: criteria provided, single submitter. Criteria: Ambry Variant Classification Scheme 2023. Collection method: clinical testing. Allele origin: germline.
Comment: The p.H295L variant (also known as c.884A>T), located in coding exon 1 of the ZNF469 gene, results from an A to T substitution at nucleotide position 884. The histidine at codon 295 is replaced by leucine, an amino acid with similar properties. This amino acid position is conserved. In addition, this alteration is predicted to be tolerated by in silico analysis. Based on the available evidence, the clinical significance of this variant remains unclear.

Labcorp Genetics (formerly Invitae), Labcorp
Classification: Uncertain significance. Last evaluated: 2022-04-22. Review status: criteria provided, single submitter. Criteria: Invitae Variant Classification Sherloc (09022015). Collection method: clinical testing. Allele origin: germline.
Comment: This sequence change replaces histidine, which is basic and polar, with leucine, which is neutral and non-polar, at codon 295 of the ZNF469 protein (p.His295Leu). This variant is not present in population databases (gnomAD no frequency). This variant has not been reported in the literature in individuals affected with ZNF469-related conditions. Algorithms developed to predict the effect of missense changes on protein structure and function (SIFT, PolyPhen-2, Align-GVGD) all suggest that this variant is likely to be tolerated. In summary, the available evidence is currently insufficient to determine the role of this variant in disease. Therefore, it has been classified as a Variant of Uncertain Significance.

NM_001367624.2(ZNF469):c.884A>T (p.His295Leu)

Gene: ZNF469 (zinc finger protein 469; plus strand). Cytogenetic location: 16q24.2.
Variant type: single nucleotide variant.
Coding change: c.884A>T on transcript NM_001367624.2 (MANE Select); coding-DNA position 884, A replaced by T.
Protein change: p.His295Leu; replaces histidine 295 with leucine.
Molecular consequence: missense variant.
Genome position (GRCh38, 1-based): chr16:88,428,354, A>T. VCF-style: chr16-88428354-A-T. GRCh37 (hg19) VCF-style: chr16-88494762-A-T.
Other names: NM_001127464.1:c.884A>T; short protein forms H295L.
Identifiers: ClinVar variation 1959636 (VCV001959636.4), dbSNP rs948182024, ClinGen allele CA286372214.